The following is an entry in ClinVar:

NM_001851.6(COL9A1):c.970G>A (p.Ala324Thr)

Gene: COL9A1 (collagen type IX alpha 1 chain; minus strand). Cytogenetic location: 6q13.
Variant type: single nucleotide variant.
Coding change: c.970G>A on transcript NM_001851.6 (MANE Select); coding-DNA position 970, G replaced by A.
Protein change: p.Ala324Thr; replaces alanine 324 with threonine.
Molecular consequence: missense variant. On other transcripts: non-coding transcript variant (1).
Genome position (GRCh38, 1-based): chr6:70,280,817, C>T on the plus strand (G>A on the coding strand, the complement: COL9A1 is on the minus strand). VCF-style: chr6-70280817-C-T. GRCh37 (hg19) VCF-style: chr6-70990520-C-T.
Other names: c.241G>A, p.Ala81Thr (NM_001377289.1, NM_001377290.1, NM_078485.4); c.970G>A, p.Ala324Thr (NM_001377291.1); short protein forms A324T, A81T.
Identifiers: ClinVar variation 1974421 (VCV001974421.5), dbSNP rs1286307073, ClinGen allele CA364665708.

ClinVar aggregate classification (germline): Uncertain significance (1 of 4 stars; one submission).

Submission:

Labcorp Genetics (formerly Invitae), Labcorp
Classification: Uncertain significance. Last evaluated: 2022-08-02. Review status: criteria provided, single submitter. Criteria: Invitae Variant Classification Sherloc (09022015). Collection method: clinical testing. Allele origin: germline.
Comment: This sequence change replaces alanine, which is neutral and non-polar, with threonine, which is neutral and polar, at codon 324 of the COL9A1 protein (p.Ala324Thr). This variant is not present in population databases (gnomAD no frequency). This variant has not been reported in the literature in individuals affected with COL9A1-related conditions. Advanced modeling of protein sequence and biophysical properties (such as structural, functional, and spatial information, amino acid conservation, physicochemical variation, residue mobility, and thermodynamic stability) performed at Invitae indicates that this missense variant is not expected to disrupt COL9A1 protein function. In summary, the available evidence is currently insufficient to determine the role of this variant in disease. Therefore, it has been classified as a Variant of Uncertain Significance.